The following is an entry in ClinVar:

ClinVar aggregate classification (germline): Uncertain significance. Review status: criteria provided, multiple submitters, no conflicts (2 of 4 stars). 2 submissions from 2 submitters: Uncertain significance (2). Last evaluated 2025-11-03.

Conditions:
Developmental and epileptic encephalopathy, 36 (DEE36). Also called: Epileptic encephalopathy, early infantile, 36; Congenital disorder of glycosylation, type Is; ALG13-CDG. Identifiers: Orphanet 324422, MedGen C4317295, MONDO:0010472, OMIM 300884.

Submissions (2):

Labcorp Genetics (formerly Invitae), Labcorp
Classification: Uncertain significance for Developmental and epileptic encephalopathy, 36. Last evaluated: 2025-11-03. Review status: criteria provided, single submitter. Criteria: Invitae Variant Classification Sherloc (09022015). Collection method: clinical testing. Allele origin: germline.
Comment: This sequence change replaces tyrosine, which is neutral and polar, with phenylalanine, which is neutral and non-polar, at codon 715 of the ALG13 protein (p.Tyr715Phe). This variant is not present in population databases (gnomAD no frequency). This variant has not been reported in the literature in individuals affected with ALG13-related conditions. ClinVar contains an entry for this variant (Variation ID: 625887). Invitae Evidence Modeling of protein sequence and biophysical properties (such as structural, functional, and spatial information, amino acid conservation, physicochemical variation, residue mobility, and thermodynamic stability) indicates that this missense variant is not expected to disrupt ALG13 protein function with a negative predictive value of 95%. In summary, the available evidence is currently insufficient to determine the role of this variant in disease. Therefore, it has been classified as a Variant of Uncertain Significance.

Center for Genomics, Ann and Robert H. Lurie Children's Hospital of Chicago
Classification: Uncertain significance for Developmental and epileptic encephalopathy, 36. Last evaluated: 2021-03-30. Review status: criteria provided, single submitter. Criteria: ACMG Guidelines, 2015. Collection method: clinical testing. Allele origin: germline.
Comment: ALG13 NM_001099922 exon 18 p.Tyr715Phe (c.2144A>T): This variant has not been reported in the literature and is not present in large control databases. This variant Phenylalanine (Phe) is present in 9 other species, including mammals; this suggests that this variant may not impact the protein. Additional computational prediction tools do not suggest an impact. In summary, data on this variant is insufficient for disease classification. Therefore, the clinical significance of this variant is uncertain.

NM_001099922.3(ALG13):c.2144A>T (p.Tyr715Phe)

Gene: ALG13 (ALG13 UDP-N-acetylglucosaminyltransferase subunit; plus strand). Cytogenetic location: Xq23.
Variant type: single nucleotide variant.
Coding change: c.2144A>T on transcript NM_001099922.3 (MANE Select); coding-DNA position 2144, A replaced by T.
Protein change: p.Tyr715Phe; replaces tyrosine 715 with phenylalanine.
Molecular consequence: missense variant. On other transcripts: non-coding transcript variant (1).
Genome position (GRCh38, 1-based): chrX:111,727,667, A>T. VCF-style: chrX-111727667-A-T. GRCh37 (hg19) VCF-style: chrX-110970895-A-T.
Other names: c.1832A>T, p.Tyr611Phe (NM_001257230.2, NM_001257234.2, NM_001257237.2); c.1910A>T, p.Tyr637Phe (NM_001257231.2); c.2144A>T, p.Tyr715Phe (NM_001324292.2); c.1658A>T, p.Tyr553Phe (NM_001324293.1); short protein forms Y715F, Y553F, Y611F, Y637F.
Identifiers: ClinVar variation 625887 (VCV000625887.6), dbSNP rs1569519563, ClinGen allele CA414253373.
Genomic context (GRCh38, chrX:111,727,667, plus strand): 5'-ACTTAAGTTCATTTAGACGTAGTCACCGCCAGATGAGTTGTGTGAATAAGGAGTCCCAGT[A>T]TGGATTTACCCCAGGGAATGGACAGATGCCCAGGGGCTTGGAAGAAACTATTACTTTTTA-3'
Protein context (NP_001093392.1, residues 705-725): QMSCVNKESQ[Tyr715Phe]GFTPGNGQMP